The following is an entry in ClinVar:

NM_001849.4(COL6A2):c.2696C>T (p.Thr899Met)

Gene: COL6A2 (collagen type VI alpha 2 chain; plus strand). Cytogenetic location: 21q22.3.
Variant type: single nucleotide variant.
Coding change: c.2696C>T on transcript NM_001849.4 (MANE Select); coding-DNA position 2696, C replaced by T.
Protein change: p.Thr899Met; replaces threonine 899 with methionine.
Molecular consequence: missense variant.
Genome position (GRCh38, 1-based): chr21:46,132,188, C>T. VCF-style: chr21-46132188-C-T. GRCh37 (hg19) VCF-style: chr21-47552102-C-T.
Other names: short protein forms T899M.
Identifiers: ClinVar variation 452057 (VCV000452057.21), dbSNP rs771341779, ClinGen allele CA10072978.

ClinVar aggregate classification (germline): Uncertain significance. Review status: criteria provided, multiple submitters, no conflicts (2 of 4 stars). 4 submissions from 4 submitters: Uncertain significance (4). Last evaluated 2025-10-09.

Conditions:
Bethlem myopathy 1A. Also called: MYOPATHY, BENIGN CONGENITAL, WITH CONTRACTURES; Bethlem myopathy 1; Bethlem Muscular Dystrophy. Identifiers: Orphanet 610, MedGen CN029274, MONDO:0024530, OMIM 158810.

Allele frequency attached by ClinVar (database versions not stated): gnomAD 0.00001; gnomAD exomes 0.00001; TOPMed 0.00001; ExAC 0.00003.
gnomAD v4.1: 18 of 1,574,896 alleles (0.0011%); highest among the groups gnomAD compares: South Asian, 0.0057%; no homozygotes.

Submissions (4):

Women's Health and Genetics/Laboratory Corporation of America, LabCorp
Classification: Uncertain significance. Last evaluated: 2025-10-09. Review status: criteria provided, single submitter. Criteria: LabCorp Variant Classification Summary - May 2015. Collection method: clinical testing. Allele origin: germline.
Comment: Variant summary: COL6A2 c.2696C>T (p.Thr899Met) results in a non-conservative amino acid change in the encoded protein sequence. Algorithms developed to predict the effect of missense changes on protein structure and function all suggest that this variant is likely to be disruptive. The variant allele was found at a frequency of 1.1e-05 in 183976 control chromosomes. The available data on variant occurrences in the general population are insufficient to allow any conclusion about variant significance. To our knowledge, no occurrence of c.2696C>T in individuals affected with COL6A2-related conditions and no experimental evidence demonstrating its impact on protein function have been reported. ClinVar contains an entry for this variant (Variation ID: 452057). Based on the evidence outlined above, the variant was classified as uncertain significance.

Labcorp Genetics (formerly Invitae), Labcorp
Classification: Uncertain significance for Bethlem myopathy 1A. Last evaluated: 2025-10-02. Review status: criteria provided, single submitter. Criteria: Invitae Variant Classification Sherloc (09022015). Collection method: clinical testing. Allele origin: germline.
Comment: This sequence change replaces threonine, which is neutral and polar, with methionine, which is neutral and non-polar, at codon 899 of the COL6A2 protein (p.Thr899Met). The frequency data for this variant in the population databases is considered unreliable, as metrics indicate poor data quality at this position in the gnomAD database. This variant has not been reported in the literature in individuals affected with COL6A2-related conditions. ClinVar contains an entry for this variant (Variation ID: 452057). Invitae Evidence Modeling of protein sequence and biophysical properties (such as structural, functional, and spatial information, amino acid conservation, physicochemical variation, residue mobility, and thermodynamic stability) has been performed for this missense variant. However, the output from this modeling did not meet the statistical confidence thresholds required to predict the impact of this variant on COL6A2 protein function. In summary, the available evidence is currently insufficient to determine the role of this variant in disease. Therefore, it has been classified as a Variant of Uncertain Significance.

CeGaT Center for Human Genetics Tuebingen
Classification: Uncertain significance. Last evaluated: 2025-07-01. Review status: criteria provided, single submitter. Criteria: CeGaT Center For Human Genetics Tuebingen Variant Classification Criteria Version 2. Collection method: clinical testing. Allele origin: germline. Affected: yes. Observed: 1 variant allele.
Comment: COL6A2: PM2

GeneDx
Classification: Uncertain significance. Last evaluated: 2017-09-14. Review status: criteria provided, single submitter. Criteria: GeneDx Variant Classification (06012015). Collection method: clinical testing. Allele origin: germline. Affected: yes.
Comment: The T899M variant in the COL6A2 gene has not been reported previously as a pathogenic variant, nor as a benign variant, to our knowledge. While not present in the homozygous state, the T899M variant is observed in 1/16428 (0.006%) alleles from individuals of non-Finnish European background in the ExAC dataset (Lek et al., 2016). The T899M variant is a non-conservative amino acid substitution, which is likely to impact secondary protein structure as these residues differ in polarity, charge, size and/or other properties. This substitution occurs at a position that is conserved in mammals. In silico analysis predicts this variant is probably damaging to the protein structure/function. We interpret T899M as a variant of uncertain significance.